The following is an entry in ClinVar:

ClinVar aggregate classification (germline): Conflicting classifications of pathogenicity. Review status: criteria provided, conflicting classifications (1 of 4 stars). 3 submissions from 3 submitters: Uncertain significance (1); Likely benign (2). Last evaluated 2025-11-23.

Conditions:
Multiple endocrine neoplasia, type 1 (MEN1). Also called: MEN I; WERMER SYNDROME; Endocrine adenomatosis multiple; MEN 1; MEA I. Identifiers: Orphanet 652, MedGen C0025267, MeSH D018761, MONDO:0007540, OMIM 131100.
Hereditary cancer-predisposing syndrome. Also called: Neoplastic Syndromes, Hereditary; Tumor predisposition; Hereditary neoplastic syndrome; Hereditary Cancer Syndrome. Identifiers: Orphanet 140162, MedGen C0027672, MeSH D009386, MONDO:0015356.

Allele frequency attached by ClinVar (database versions not stated): gnomAD exomes below 0.00001; TOPMed 0.00001.
gnomAD v4.1: 1 of 1,614,132 alleles (0.000062%); highest among the groups gnomAD compares: Non-Finnish European, 0.000085%; no homozygotes.

Submissions (3):

Labcorp Genetics (formerly Invitae), Labcorp
Classification: Likely benign for Multiple endocrine neoplasia, type 1. Last evaluated: 2025-11-23. Review status: criteria provided, single submitter. Criteria: Invitae Variant Classification Sherloc (09022015). Collection method: clinical testing. Allele origin: germline.

All of Us Research Program, National Institutes of Health
Classification: Uncertain significance for Multiple endocrine neoplasia, type 1. Last evaluated: 2024-04-25. Review status: criteria provided, single submitter. Criteria: ACMG Guidelines, 2015. Collection method: clinical testing. Allele origin: germline. Inheritance: Autosomal dominant inheritance. Observed: 1 variant allele, 1 heterozygote.
Comment: This variant causes a G to A nucleotide substitution at the +3 position of intron 4 of the MEN1 gene. To our knowledge, functional studies have not been reported for this variant. This variant has not been reported in individuals affected with MEN1-related disorders in the literature. This variant has not been identified in the general population by the Genome Aggregation Database (gnomAD). The available evidence is insufficient to determine the role of this variant in disease conclusively. Therefore, this variant is classified as a Variant of Uncertain Significance.

This study involves interpretation of variants in research participants for the purpose of population health screening. Participant phenotype was not available at the time of variant classification. Additional details can be found in publication PMID: 35346344, PMCID: PMC8962531

Ambry Genetics
Classification: Likely benign for Hereditary cancer-predisposing syndrome. Last evaluated: 2023-03-24. Review status: criteria provided, single submitter. Criteria: Ambry Variant Classification Scheme 2023. Collection method: clinical testing. Allele origin: germline.

NM_001370259.2(MEN1):c.783+3G>A

Gene: MEN1 (menin 1; minus strand). Cytogenetic location: 11q13.1.
Variant type: single nucleotide variant.
Coding change: c.783+3G>A on transcript NM_001370259.2 (MANE Select); 3 bases into the intron after coding-DNA position 783, G replaced by A.
Molecular consequence: intron variant.
Genome position (GRCh38, 1-based): chr11:64,807,549, C>T on the plus strand (G>A on the coding strand, the complement: MEN1 is on the minus strand). VCF-style: chr11-64807549-C-T. GRCh37 (hg19) VCF-style: chr11-64575021-C-T.
Other names: c.798+3G>A (NM_130804.3, NM_130803.3, NM_000244.4 and 3 more transcripts); c.783+3G>A (NM_130799.3, NM_001370260.2, NM_001370251.2 and 1 more transcripts); c.678+3G>A (NM_001370263.2, NM_001370262.2).
Identifiers: ClinVar variation 1760806 (VCV001760806.9), dbSNP rs1941816378, ClinGen allele CA1978891669.